The following is an entry in ClinVar:

ClinVar aggregate classification (germline): Conflicting classifications of pathogenicity. Review status: criteria provided, conflicting classifications (1 of 4 stars). 5 submissions from 5 submitters: Uncertain significance (1); Benign (1); Likely benign (3). Last evaluated 2024-10-27.

Conditions:
Familial thoracic aortic aneurysm and aortic dissection (TAAD). Also called: Thoracic aortic aneurysms and dissections. Identifiers: Orphanet 91387, MedGen C4707243, MONDO:0019625.
Congenital contractural arachnodactyly (CCA). Also called: BEALS SYNDROME; Beals-Hecht syndrome; Arthrogryposis, distal, type 9. Identifiers: Orphanet 115, MedGen C0220668, MONDO:0007363, OMIM 121050.

Allele frequency attached by ClinVar (database versions not stated): TOPMed 0.00002; gnomAD 0.00006.
gnomAD v4.1: 30 of 1,614,008 alleles (0.0019%); highest among the groups gnomAD compares: East Asian, 0.0067%; no homozygotes.

Submissions (5):

Labcorp Genetics (formerly Invitae), Labcorp
Classification: Likely benign for Congenital contractural arachnodactyly. Last evaluated: 2024-10-27. Review status: criteria provided, single submitter. Criteria: Invitae Variant Classification Sherloc (09022015). Collection method: clinical testing. Allele origin: germline.

Women's Health and Genetics/Laboratory Corporation of America, LabCorp
Classification: Likely benign. Last evaluated: 2024-03-28. Review status: criteria provided, single submitter. Criteria: LabCorp Variant Classification Summary - May 2015. Collection method: clinical testing. Allele origin: germline.

Ambry Genetics
Classification: Likely benign for Familial thoracic aortic aneurysm and aortic dissection. Last evaluated: 2018-12-05. Review status: criteria provided, single submitter. Criteria: Ambry Variant Classification Scheme 2023. Collection method: clinical testing. Allele origin: germline.

Eurofins Ntd Llc (ga)
Classification: Uncertain significance. Last evaluated: 2016-10-25. Review status: criteria provided, single submitter. Criteria: EGL Classification Definitions 2015. Collection method: clinical testing. Allele origin: germline. Observed: 1 variant allele, 1 heterozygote.

GeneDx
Classification: Benign. Last evaluated: 2013-12-26. Review status: criteria provided, single submitter. Criteria: GeneDx Variant Classification (06012015). Collection method: clinical testing. Allele origin: germline. Affected: yes.
Comment: This variant is considered likely benign or benign based on one or more of the following criteria: it is a conservative change, it occurs at a poorly conserved position in the protein, it is predicted to be benign by multiple in silico algorithms, and/or has population frequency not consistent with disease.

NM_001999.4(FBN2):c.3045C>T (p.Pro1015=)

Genes: FBN2 (fibrillin 2; minus strand), LOC126807501 (BRD4-independent group 4 enhancer GRCh37_chr5:127680731-127681930; plus strand). Cytogenetic location: 5q23.3.
Variant type: single nucleotide variant.
Coding change: c.3045C>T on transcript NM_001999.4 (MANE Select); coding-DNA position 3045, C replaced by T.
Protein change: p.Pro1015=; no amino-acid change (proline 1015 retained).
Molecular consequence: synonymous variant.
Genome position (GRCh38, 1-based): chr5:128,345,529, G>A on the plus strand (C>T on the coding strand, the complement: FBN2 is on the minus strand). VCF-style: chr5-128345529-G-A. GRCh37 (hg19) VCF-style: chr5-127681221-G-A.
Other names: p.P1015P:CCC>CCT.
Identifiers: ClinVar variation 137323 (VCV000137323.17), dbSNP rs371640952, ClinGen allele CA290864.